The following is an entry in ClinVar:

NM_001008212.2(OPTN):c.678C>T (p.Phe226=)

Gene: OPTN (optineurin; plus strand). Cytogenetic location: 10p13.
Variant type: single nucleotide variant.
Coding change: c.678C>T on transcript NM_001008212.2 (MANE Select); coding-DNA position 678, C replaced by T.
Protein change: p.Phe226=; no amino-acid change (phenylalanine 226 retained).
Molecular consequence: synonymous variant.
Genome position (GRCh38, 1-based): chr10:13,118,939, C>T. VCF-style: chr10-13118939-C-T. GRCh37 (hg19) VCF-style: chr10-13160939-C-T.
Other names: c.678C>T, p.Phe226= (NM_001008211.1, NM_001008213.1, NM_021980.4).
Identifiers: ClinVar variation 1012550 (VCV001012550.44), dbSNP rs560438634, ClinGen allele CA5410715.
Genomic context (GRCh38, chr10:13,118,939, plus strand): 5'-ACTGAACAGGGCATTGTCTAAATATAGGAGCAGATCTGCAGATGGGGCCAAGAATTACTT[C>T]GAACATGAGGAGTTAACTGTGAGCCAGCTCCTGCTGTGCCTAAGGGAAGGGAATCAGAAG-3'
Protein context (NP_001008213.1, residues 216-236): SRSADGAKNY[Phe226=]EHEELTVSQL

ClinVar aggregate classification (germline): Likely benign. Review status: criteria provided, multiple submitters, no conflicts (2 of 4 stars). 4 submissions from 4 submitters: Likely benign (3). 1 of the submissions does not count toward it. Last evaluated 2025-02-16.

Conditions:
OPTN-related disorder. Also called: OPTN-related disorders; OPTN-related condition.
Primary open angle glaucoma (POAG). Also called: OPTN-related open angle glaucoma. Identifiers: MedGen C0339573, MONDO:0100553, OMIM 137760.
Amyotrophic lateral sclerosis type 12 (ALS12). Also called: AMYOTROPHIC LATERAL SCLEROSIS 12 WITH OR WITHOUT FRONTOTEMPORAL DEMENTIA. Identifiers: Orphanet 803, MedGen C3150692, MONDO:0013264, OMIM 613435.
Glaucoma 1, open angle, E. Identifiers: MedGen C1842026, MONDO:0007665.

Allele frequency attached by ClinVar (database versions not stated): TOPMed 0.00003.
gnomAD v4.1: 31 of 1,613,774 alleles (0.0019%); highest among the groups gnomAD compares: Non-Finnish European, 0.0021%; no homozygotes.

Submissions (4):

Laboratory of Genetics, Children's Clinical University Hospital Latvia
Classification: Likely benign. Last evaluated: 2025-02-16. Review status: criteria provided, single submitter. Criteria: ACMG Guidelines, 2015. Collection method: clinical testing. Allele origin: germline. Affected: yes.

Labcorp Genetics (formerly Invitae), Labcorp
Classification: Likely benign for Primary open angle glaucoma; Glaucoma 1, open angle, E; Amyotrophic lateral sclerosis type 12. Last evaluated: 2021-01-29. Review status: criteria provided, single submitter. Criteria: Invitae Variant Classification Sherloc (09022015). Collection method: clinical testing. Allele origin: germline.

CeGaT Center for Human Genetics Tuebingen
Classification: Likely benign. Last evaluated: 2020-07-01. Review status: criteria provided, single submitter. Criteria: CeGaT Center For Human Genetics Tuebingen Variant Classification Criteria Version 2. Collection method: clinical testing. Allele origin: germline. Affected: yes. Observed: 1 variant allele.

PreventionGenetics, part of Exact Sciences
Classification: Likely benign for OPTN-related condition. Last evaluated: 2024-04-25. Review status: no assertion criteria provided. Collection method: clinical testing. Allele origin: germline. Not counted in ClinVar's aggregate classification.
Comment: This variant is classified as likely benign based on ACMG/AMP sequence variant interpretation guidelines (Richards et al. 2015 PMID: 25741868, with internal and published modifications).